The following is an entry in ClinVar:

ClinVar aggregate classification (germline): Uncertain significance. Review status: criteria provided, multiple submitters, no conflicts (2 of 4 stars). 5 submissions from 5 submitters: Uncertain significance (4). 1 of the submissions does not count toward it. Last evaluated 2024-09-10.

Conditions:
Joubert syndrome 5 (JBTS5). Identifiers: Orphanet 2318, MedGen C1857780, MONDO:0012432, OMIM 610188.
Bardet-Biedl syndrome 14 (BBS14). Identifiers: Orphanet 110, MedGen C2673874, MONDO:0014442, OMIM 615991.
Senior-Loken syndrome 6 (SLSN6). Identifiers: Orphanet 3156, MedGen C1857779, MONDO:0012433, OMIM 610189.
Leber congenital amaurosis 10 (LCA10). Identifiers: Orphanet 65, MedGen C1857821, MONDO:0012723, OMIM 611755.
Meckel syndrome, type 4 (MKS4). Also called: MECKEL-GRUBER SYNDROME, TYPE 4. Identifiers: Orphanet 564, MedGen C1970161, MONDO:0012626, OMIM 611134.
CEP290-related disorder. Also called: CEP290-related condition; CEP290-related disorders. Identifiers: MedGen CN239314.
Nephronophthisis. Also called: Juvenile Nephronophthisis. Identifiers: Orphanet 655, MedGen C0687120, MONDO:0019005, HP:0000090.
Joubert syndrome. Also called: Familial aplasia of the vermis; JOUBERT-BOLTSHAUSER SYNDROME. Identifiers: Orphanet 475, MedGen C5979921, MONDO:0018772.
Meckel-Gruber syndrome. Also called: DYSENCEPHALIA SPLANCHNOCYSTICA; GRUBER SYNDROME; Dysencephalia splachnocystica. Identifiers: Orphanet 564, MedGen C0265215, MONDO:0018921.

Allele frequency attached by ClinVar (database versions not stated): gnomAD exomes below 0.00001; TOPMed 0.00001; ExAC 0.00002; gnomAD 0.00004.
gnomAD v4.1: 36 of 1,613,824 alleles (0.0022%); highest among the groups gnomAD compares: Middle Eastern, 0.016%; no homozygotes.

Submissions (5):

Blueprint Genetics
Classification: Uncertain significance. Last evaluated: 2024-09-10. Review status: criteria provided, single submitter. Criteria: ACMG Guidelines, 2015. Collection method: clinical testing. Allele origin: germline.

Labcorp Genetics (formerly Invitae), Labcorp
Classification: Uncertain significance for Joubert syndrome; Meckel-Gruber syndrome; Nephronophthisis. Last evaluated: 2022-10-24. Review status: criteria provided, single submitter. Criteria: Invitae Variant Classification Sherloc (09022015). Collection method: clinical testing. Allele origin: germline.
Comment: This sequence change replaces arginine, which is basic and polar, with histidine, which is basic and polar, at codon 1253 of the CEP290 protein (p.Arg1253His). This variant is present in population databases (rs763801479, gnomAD 0.01%). This missense change has been observed in individual(s) with Leber congenital amaurosis (PMID: 24265693). ClinVar contains an entry for this variant (Variation ID: 1677015). Advanced modeling of protein sequence and biophysical properties (such as structural, functional, and spatial information, amino acid conservation, physicochemical variation, residue mobility, and thermodynamic stability) performed at Invitae indicates that this missense variant is expected to disrupt CEP290 protein function. In summary, the available evidence is currently insufficient to determine the role of this variant in disease. Therefore, it has been classified as a Variant of Uncertain Significance.

Fulgent Genetics
Classification: Uncertain significance for Joubert syndrome 5; Senior-Loken syndrome 6; Meckel syndrome, type 4; Leber congenital amaurosis 10; Bardet-Biedl syndrome 14. Last evaluated: 2022-05-18. Review status: criteria provided, single submitter. Criteria: ACMG Guidelines, 2015. Collection method: clinical testing. Allele origin: unknown.

Women's Health and Genetics/Laboratory Corporation of America, LabCorp
Classification: Uncertain significance. Last evaluated: 2022-03-04. Review status: criteria provided, single submitter. Criteria: LabCorp Variant Classification Summary - May 2015. Collection method: clinical testing. Allele origin: germline.
Comment: Variant summary: CEP290 c.3758G>A (p.Arg1253His) results in a non-conservative amino acid change in the encoded protein sequence. Four of five in-silico tools predict a damaging effect of the variant on protein function. The variant allele was found at a frequency of 4e-06 in 249212 control chromosomes. The available data on variant occurrences in the general population are insufficient to allow any conclusion about variant significance. c.3758G>A has been reported in the literature as a compound heterozygous genotype in at-least one individual affected with Leber congenital amaurosis (LCA) which has been subsequently cited by others (CEP290-Related Disorders)(example, Eisenberger_2013, Vilaplana_2021). These data do not allow any conclusion about variant significance. To our knowledge, no experimental evidence demonstrating an impact on protein function has been reported. No clinical diagnostic laboratories have submitted clinical-significance assessments for this variant to ClinVar after 2014. Based on the evidence outlined above, the variant was classified as uncertain significance.

PreventionGenetics, part of Exact Sciences
Classification: Uncertain significance for CEP290-related condition. Last evaluated: 2024-05-10. Review status: no assertion criteria provided. Collection method: clinical testing. Allele origin: germline. Not counted in ClinVar's aggregate classification.
Comment: The CEP290 c.3758G>A variant is predicted to result in the amino acid substitution p.Arg1253His. This variant was reported along with a second variant in CEP290 in an individual with Leber congenital amaurosis (Eisenberger et al. 2013. PubMed ID: 24265693). This variant is reported in 0.012% of alleles in individuals of African descent in gnomAD. At this time, the clinical significance of this variant is uncertain due to the absence of conclusive functional and genetic evidence.

Literature cited by the submitters: PubMed 24265693 (cited by Labcorp Genetics (formerly Invitae), Labcorp and Women's Health and Genetics/Laboratory Corporation of America, LabCorp); PubMed 33886416 (cited by Women's Health and Genetics/Laboratory Corporation of America, LabCorp).

NM_025114.4(CEP290):c.3758G>A (p.Arg1253His)

Gene: CEP290 (centrosomal protein 290; minus strand). Cytogenetic location: 12q21.32.
Variant type: single nucleotide variant.
Coding change: c.3758G>A on transcript NM_025114.4 (MANE Select); coding-DNA position 3758, G replaced by A.
Protein change: p.Arg1253His; replaces arginine 1253 with histidine.
Molecular consequence: missense variant.
Genome position (GRCh38, 1-based): chr12:88,089,303, C>T on the plus strand (G>A on the coding strand, the complement: CEP290 is on the minus strand). VCF-style: chr12-88089303-C-T. GRCh37 (hg19) VCF-style: chr12-88483080-C-T.
Other names: short protein forms R1253H.
Identifiers: ClinVar variation 1677015 (VCV001677015.6), dbSNP rs763801479, ClinGen allele CA6712089.
Genomic context (GRCh38, chr12:88,089,303, plus strand): 5'-TGTCGTCGTAGAGACTGAATTGTTTGGCGCAGATGTTTTGCTCTGTTTCTTCCCTCCAAA[C>T]GAGCATAATAGAGAGCCTGTTCTTTTTCATCAAGTTTCTGCTCTAAGCGCAAGTTGTAGG-3'
Protein context (NP_079390.3, residues 1243-1263): DEKEQALYYA[Arg1253His]LEGRNRAKHL